The following is an entry in ClinVar:

NM_001358530.2(MOCS1):c.1448C>T (p.Thr483Ile)

Gene: MOCS1 (molybdenum cofactor synthesis 1; minus strand). Cytogenetic location: 6p21.2.
Variant type: single nucleotide variant.
Coding change: c.1448C>T on transcript NM_001358530.2 (MANE Select); coding-DNA position 1448, C replaced by T.
Protein change: p.Thr483Ile; replaces threonine 483 with isoleucine.
Molecular consequence: missense variant. On other transcripts: 3 prime UTR variant (4), non-coding transcript variant (1).
Genome position (GRCh38, 1-based): chr6:39,906,820, G>A on the plus strand (C>T on the coding strand, the complement: MOCS1 is on the minus strand). VCF-style: chr6-39906820-G-A. GRCh37 (hg19) VCF-style: chr6-39874596-G-A.
Other names: c.*305C>T (NM_001075098.4, NM_001358533.2, NM_001358534.2 and 1 more transcripts); c.1400C>T, p.Thr467Ile (NM_001358529.2); c.1187C>T, p.Thr396Ile (NM_001358531.2); short protein forms T467I, T483I, T396I.
Identifiers: ClinVar variation 4770397 (VCV004770397.1).
Genomic context (GRCh38, chr6:39,906,820, plus strand): 5'-TCTGTGTCTGGCTTCCTGCCCACATCTACCATAGCTGCCCGTCCTTCCGAGTCCACATGA[G>A]TTAGTTGTTCTGAGGTTAGCTGGGGTCCTGAGGGGGCAGCAGAAGCCCAGGAACCTGGGC-3'
Protein context (NP_001345459.1, residues 473-493): SGPQLTSEQL[Thr483Ile]HVDSEGRAAM

ClinVar aggregate classification (germline): Uncertain significance (1 of 4 stars; one submission).

Conditions:
Sulfite oxidase deficiency due to molybdenum cofactor deficiency type A. Also called: Molybdenum cofactor deficiency, complementation group A; Molybdenum Cofactor Deficiency A. Identifiers: Orphanet 308386, Orphanet 833, MedGen C1854988, MONDO:0009643, OMIM 252150.

Submission:

Labcorp Genetics (formerly Invitae), Labcorp
Classification: Uncertain significance for Sulfite oxidase deficiency due to molybdenum cofactor deficiency type A. Last evaluated: 2025-11-02. Review status: criteria provided, single submitter. Criteria: Invitae Variant Classification Sherloc (09022015). Collection method: clinical testing. Allele origin: germline.
Comment: This sequence change replaces threonine, which is neutral and polar, with isoleucine, which is neutral and non-polar, at codon 483 of the MOCS1 protein (p.Thr483Ile). This variant is present in population databases (rs758508041, gnomAD 0.0009%). This variant has not been reported in the literature in individuals affected with MOCS1-related conditions. An algorithm developed to predict the effect of missense changes on protein structure and function (PolyPhen-2) suggests that this variant is likely to be disruptive. In summary, the available evidence is currently insufficient to determine the role of this variant in disease. Therefore, it has been classified as a Variant of Uncertain Significance.